The following is an entry in ClinVar:

NM_004369.4(COL6A3):c.882C>T (p.Phe294=)

Gene: COL6A3 (collagen type VI alpha 3 chain; minus strand). Cytogenetic location: 2q37.3.
Variant type: single nucleotide variant.
Coding change: c.882C>T on transcript NM_004369.4 (MANE Select); coding-DNA position 882, C replaced by T.
Protein change: p.Phe294=; no amino-acid change (phenylalanine 294 retained).
Molecular consequence: synonymous variant. On other transcripts: intron variant (2).
Genome position (GRCh38, 1-based): chr2:237,388,012, G>A on the plus strand (C>T on the coding strand, the complement: COL6A3 is on the minus strand). VCF-style: chr2-237388012-G-A. GRCh37 (hg19) VCF-style: chr2-238296655-G-A.
Other names: p.Phe294=; c.264C>T, p.Phe88= (NM_057165.5, NM_057167.4); c.92-6513C>T (NM_057166.5, NM_057164.5).
Identifiers: ClinVar variation 95011 (VCV000095011.27), dbSNP rs7561625, ClinGen allele CA148077.

ClinVar aggregate classification (germline): Benign. Review status: criteria provided, multiple submitters, no conflicts (2 of 4 stars). 9 submissions from 9 submitters: Benign (8). 1 of the submissions does not count toward it. Last evaluated 2026-01-27.

Conditions:
Collagen 6-related myopathy. Identifiers: MedGen CN117976, MONDO:0100225.
Bethlem myopathy 1A. Also called: Bethlem myopathy 1; Bethlem Muscular Dystrophy; MYOPATHY, BENIGN CONGENITAL, WITH CONTRACTURES. Identifiers: Orphanet 610, MedGen CN029274, MONDO:0024530, OMIM 158810.

Allele frequency attached by ClinVar (database versions not stated): ExAC 0.00746; gnomAD exomes 0.00221 and 0.00610; 1000 Genomes Project 0.02296; gnomAD 0.02665 and 0.02433; ESP Exome Variant Server 0.02668; TOPMed 0.02711; 1000 Genomes Project 30x 0.02452.
gnomAD v4.1: 7,035 of 1,614,196 alleles (0.44%); highest among the groups gnomAD compares: African/African-American, 8.5%; 276 homozygotes.

Submissions (9):

Labcorp Genetics (formerly Invitae), Labcorp
Classification: Benign for Bethlem myopathy 1A. Last evaluated: 2026-01-27. Review status: criteria provided, single submitter. Criteria: Invitae Variant Classification Sherloc (09022015). Collection method: clinical testing. Allele origin: germline.

Mayo Clinic Laboratories, Mayo Clinic
Classification: Benign. Last evaluated: 2018-04-04. Review status: criteria provided, single submitter. Criteria: ACMG Guidelines, 2015. Collection method: clinical testing. Allele origin: germline. Observed: 12 variant alleles.

Illumina Laboratory Services, Illumina
Classification: Benign for Collagen VI-related myopathy. Last evaluated: 2018-01-12. Review status: criteria provided, single submitter. Criteria: ICSL Variant Classification Criteria 13 December 2019. Collection method: clinical testing. Allele origin: germline.
Comment: This variant was observed in the ICSL laboratory as part of a predisposition screen in an ostensibly healthy population. It had not been previously curated by ICSL or reported in the Human Gene Mutation Database (HGMD: prior to June 1st, 2018), and was therefore a candidate for classification through an automated scoring system. Utilizing variant allele frequency, disease prevalence and penetrance estimates, and inheritance mode, an automated score was calculated to assess if this variant is too frequent to cause the disease. Based on the score and internal cut-off values, a variant classified as benign is not then subjected to further curation. The score for this variant resulted in a classification of benign for this disease.

Athena Diagnostics
Classification: Benign. Last evaluated: 2017-11-14. Review status: criteria provided, single submitter. Criteria: Athena Diagnostics Criteria. Collection method: clinical testing. Allele origin: germline.

GeneDx
Classification: Benign. Last evaluated: 2016-03-15. Review status: criteria provided, single submitter. Criteria: GeneDx Variant Classification (06012015). Collection method: clinical testing. Allele origin: germline. Affected: yes.
Comment: This variant is considered likely benign or benign based on one or more of the following criteria: it is a conservative change, it occurs at a poorly conserved position in the protein, it is predicted to be benign by multiple in silico algorithms, and/or has population frequency not consistent with disease.

Eurofins Ntd Llc (ga)
Classification: Benign. Last evaluated: 2012-11-05. Review status: criteria provided, single submitter. Criteria: EGL Classification Definitions 2015. Collection method: clinical testing. Allele origin: germline. Observed: 3 variant alleles, 3 heterozygotes.

Breakthrough Genomics
Classification: Benign. Review status: criteria provided, single submitter. Criteria: ACMG Guidelines, 2015. Collection method: not provided. Allele origin: germline. Inheritance: Autosomal recessive inheritance. Affected: yes.

PreventionGenetics, part of Exact Sciences
Classification: Benign. Review status: criteria provided, single submitter. Criteria: ACMG Guidelines, 2015. Collection method: clinical testing. Allele origin: germline.

Genetic Services Laboratory, University of Chicago
Classification: Likely benign for AllHighlyPenetrant. Review status: no assertion criteria provided. Collection method: clinical testing. Allele origin: germline. Not counted in ClinVar's aggregate classification.
Comment: Likely benign based on allele frequency in 1000 Genomes Project or ESP global frequency and its presence in a patient with a rare or unrelated disease phenotype. NOT Sanger confirmed.